The following is an entry in ClinVar:

ClinVar aggregate classification (germline): Likely benign. Review status: criteria provided, multiple submitters, no conflicts (2 of 4 stars). 2 submissions from 2 submitters: Likely benign (2). Last evaluated 2024-05-23.

Conditions:
Epidermolysis bullosa simplex 5B, with muscular dystrophy (EBS5B). Also called: Epidermolysis bullosa simplex with muscular dystrophy; EPIDERMOLYSIS BULLOSA SIMPLEX AND LIMB-GIRDLE MUSCULAR DYSTROPHY. Identifiers: Orphanet 257, MedGen C2931072, MONDO:0009181, OMIM 226670.
Epidermolysis bullosa simplex 5C, with pyloric atresia (EBS5C). Also called: PLEC-Related Epidermolysis Bullosa with Pyloric Atresia; Epidermolysis bullosa simplex with pyloric atresia; PLEC1-Related Epidermolysis Bullosa with Pyloric Atresia. Identifiers: Orphanet 158684, MedGen C2677349, MONDO:0012807, OMIM 612138.
Epidermolysis bullosa simplex with nail dystrophy (EBS5D). Identifiers: MedGen C4225309, MONDO:0014661, OMIM 616487.
Epidermolysis bullosa simplex, Ogna type (EBS5A). Also called: Pidermolysis bullosa simplex 5A, Ogna type; EPIDERMOLYSIS BULLOSA SIMPLEX 5A, OGNA TYPE. Identifiers: Orphanet 79401, MedGen C0432317, MONDO:0007555, OMIM 131950.
Autosomal recessive limb-girdle muscular dystrophy type 2Q (LGMDR17). Also called: MUSCULAR DYSTROPHY, LIMB-GIRDLE, AUTOSOMAL RECESSIVE 17. Identifiers: Orphanet 254361, MedGen C3150989, MONDO:0013390, OMIM 613723.

Allele frequency attached by ClinVar (database versions not stated): gnomAD 0.00003; gnomAD exomes 0.00004.
gnomAD v4.1: 66 of 1,611,330 alleles (0.0041%); highest among the groups gnomAD compares: Non-Finnish European, 0.0054%; no homozygotes.

Submissions (2):

Labcorp Genetics (formerly Invitae), Labcorp
Classification: Likely benign for Autosomal recessive limb-girdle muscular dystrophy type 2Q; Epidermolysis bullosa simplex, Ogna type; Epidermolysis bullosa simplex with nail dystrophy; Epidermolysis bullosa simplex 5C, with pyloric atresia; Epidermolysis bullosa simplex 5B, with muscular dystrophy. Last evaluated: 2024-05-23. Review status: criteria provided, single submitter. Criteria: Invitae Variant Classification Sherloc (09022015). Collection method: clinical testing. Allele origin: germline.

CeGaT Center for Human Genetics Tuebingen
Classification: Likely benign. Last evaluated: 2022-11-01. Review status: criteria provided, single submitter. Criteria: CeGaT Center For Human Genetics Tuebingen Variant Classification Criteria Version 2. Collection method: clinical testing. Allele origin: germline. Affected: yes. Observed: 1 variant allele.
Comment: PLEC: BP4, BP7

NM_201384.3(PLEC):c.13152C>G (p.Gly4384=)

Gene: PLEC (plectin; minus strand). Cytogenetic location: 8q24.3.
Variant type: single nucleotide variant.
Coding change: c.13152C>G on transcript NM_201384.3 (MANE Select); coding-DNA position 13152, C replaced by G.
Protein change: p.Gly4384=; no amino-acid change (glycine 4384 retained).
Molecular consequence: synonymous variant.
Genome position (GRCh38, 1-based): chr8:143,916,669, G>C on the plus strand (C>G on the coding strand, the complement: PLEC is on the minus strand). VCF-style: chr8-143916669-G-C. GRCh37 (hg19) VCF-style: chr8-144990837-G-C.
Other names: c.13233C>G, p.Gly4411= (NM_000445.5); c.9852C>G, p.Gly3284= (NM_001410941.1); c.13110C>G, p.Gly4370= (NM_201378.4); c.13086C>G, p.Gly4362= (NM_201379.3); c.13563C>G, p.Gly4521= (NM_201380.4); c.13056C>G, p.Gly4352= (NM_201381.3); c.13152C>G, p.Gly4384= (NM_201382.4); c.13164C>G, p.Gly4388= (NM_201383.3).
Identifiers: ClinVar variation 2066300 (VCV002066300.28), dbSNP rs1327131556, ClinGen allele CA463525924.